The following is an entry in ClinVar:

ClinVar aggregate classification (germline): Likely benign. Review status: criteria provided, multiple submitters, no conflicts (2 of 4 stars). 2 submissions from 2 submitters: Likely benign (2). Last evaluated 2025-11-01.

Conditions:
Joubert syndrome. Also called: JOUBERT-BOLTSHAUSER SYNDROME; Familial aplasia of the vermis. Identifiers: Orphanet 475, MedGen C5979921, MONDO:0018772.
Meckel-Gruber syndrome. Also called: Dysencephalia splachnocystica; DYSENCEPHALIA SPLANCHNOCYSTICA; GRUBER SYNDROME. Identifiers: Orphanet 564, MedGen C0265215, MONDO:0018921.

Allele frequency attached by ClinVar (database versions not stated): gnomAD exomes below 0.00001.
gnomAD v4.1: 7 of 1,612,560 alleles (0.00043%); highest among the groups gnomAD compares: Admixed American, 0.0017%; no homozygotes.

Submissions (2):

CeGaT Center for Human Genetics Tuebingen
Classification: Likely benign. Last evaluated: 2025-11-01. Review status: criteria provided, single submitter. Criteria: CeGaT Center For Human Genetics Tuebingen Variant Classification Criteria Version 2. Collection method: clinical testing. Allele origin: germline. Affected: yes. Observed: 1 variant allele.
Comment: RPGRIP1L: BP4, BP7

Labcorp Genetics (formerly Invitae), Labcorp
Classification: Likely benign for Joubert syndrome; Meckel-Gruber syndrome. Last evaluated: 2023-07-08. Review status: criteria provided, single submitter. Criteria: Invitae Variant Classification Sherloc (09022015). Collection method: clinical testing. Allele origin: germline.

NM_015272.5(RPGRIP1L):c.1515G>A (p.Thr505=)

Gene: RPGRIP1L (RPGRIP1 like; minus strand). Cytogenetic location: 16q12.2.
Variant type: single nucleotide variant.
Coding change: c.1515G>A on transcript NM_015272.5 (MANE Select); coding-DNA position 1515, G replaced by A.
Protein change: p.Thr505=; no amino-acid change (threonine 505 retained).
Molecular consequence: synonymous variant.
Genome position (GRCh38, 1-based): chr16:53,657,519, C>T on the plus strand (G>A on the coding strand, the complement: RPGRIP1L is on the minus strand). VCF-style: chr16-53657519-C-T. GRCh37 (hg19) VCF-style: chr16-53691431-C-T.
Other names: c.1515G>A, p.Thr505= (NM_001127897.4, NM_001308334.3, NM_001330538.2).
Identifiers: ClinVar variation 1148425 (VCV001148425.17), dbSNP rs1472969606, ClinGen allele CA495537495.